The following is an entry in ClinVar:

ClinVar aggregate classification (germline): Uncertain significance (1 of 4 stars; one submission).

Conditions:
Hereditary cancer-predisposing syndrome. Also called: Neoplastic Syndromes, Hereditary; Tumor predisposition; Hereditary Cancer Syndrome; Hereditary neoplastic syndrome. Identifiers: Orphanet 140162, MedGen C0027672, MeSH D009386, MONDO:0015356.

Submission:

Ambry Genetics
Classification: Uncertain significance for Hereditary cancer-predisposing syndrome. Last evaluated: 2025-08-01. Review status: criteria provided, single submitter. Criteria: Ambry Variant Classification Scheme 2023. Collection method: clinical testing. Allele origin: germline.
Comment: The p.D1134E variant (also known as c.3402C>G), located in coding exon 24 of the SMARCA4 gene, results from a C to G substitution at nucleotide position 3402. The aspartic acid at codon 1134 is replaced by glutamic acid, an amino acid with highly similar properties. This amino acid position is conserved. In addition, the in silico prediction for this alteration is inconclusive. Based on the available evidence, the clinical significance of this variant remains unclear.

NM_003072.5(SMARCA4):c.3402C>G (p.Asp1134Glu)

Gene: SMARCA4 (SWI/SNF related BAF chromatin remodeling complex subunit ATPase 4; plus strand). Cytogenetic location: 19p13.2.
Variant type: single nucleotide variant.
Coding change: c.3402C>G on transcript NM_003072.5 (MANE Select); coding-DNA position 3402, C replaced by G.
Protein change: p.Asp1134Glu; replaces aspartic acid 1134 with glutamic acid.
Molecular consequence: missense variant. On other transcripts: non-coding transcript variant (1).
Genome position (GRCh38, 1-based): chr19:11,030,749, C>G. VCF-style: chr19-11030749-C-G. GRCh37 (hg19) VCF-style: chr19-11141425-C-G.
Other names: c.3402C>G, p.Asp1134Glu (NM_001128844.3, NM_001128845.2, NM_001128846.2 and 6 more transcripts); short protein forms D1134E.
Identifiers: ClinVar variation 4170165 (VCV004170165.1).